The following is an entry in ClinVar:

ClinVar aggregate classification (germline): Uncertain significance (1 of 4 stars; one submission).

gnomAD v4.1: 22 of 1,613,896 alleles (0.0014%); highest among the groups gnomAD compares: Non-Finnish European, 0.0019%; no homozygotes.

Submission:

Women's Health and Genetics/Laboratory Corporation of America, LabCorp
Classification: Uncertain significance. Last evaluated: 2024-12-18. Review status: criteria provided, single submitter. Criteria: LabCorp Variant Classification Summary - May 2015. Collection method: clinical testing. Allele origin: germline.
Comment: Variant summary: ITPR1 c.3231G>C (p.Gln1077His) results in a non-conservative amino acid change in the encoded protein sequence. Five of five in-silico tools predict a damaging effect of the variant on protein function. The variant allele was found at a frequency of 4e-06 in 249026 control chromosomes. The available data on variant occurrences in the general population are insufficient to allow any conclusion about variant significance. To our knowledge, no occurrence of c.3231G>C in individuals affected with Spinocerebellar Ataxia 29 and no experimental evidence demonstrating its impact on protein function have been reported. No submitters have cited clinical-significance assessments for this variant to ClinVar. Based on the evidence outlined above, the variant was classified as uncertain significance.

NM_001378452.1(ITPR1):c.3303G>C (p.Gln1101His)

Gene: ITPR1 (inositol 1,4,5-trisphosphate receptor type 1; plus strand). Cytogenetic location: 3p26.1.
Variant type: single nucleotide variant.
Coding change: c.3303G>C on transcript NM_001378452.1 (MANE Select); coding-DNA position 3303, G replaced by C.
Protein change: p.Gln1101His; replaces glutamine 1101 with histidine.
Molecular consequence: missense variant.
Genome position (GRCh38, 1-based): chr3:4,683,527, G>C. VCF-style: chr3-4683527-G-C. GRCh37 (hg19) VCF-style: chr3-4725211-G-C.
Other names: c.3276G>C, p.Gln1092His (NM_001099952.4); c.3258G>C, p.Gln1086His (NM_001168272.2); c.3231G>C, p.Gln1077His (NM_002222.7); short protein forms Q1077H, Q1086H, Q1092H, Q1101H.
Identifiers: ClinVar variation 3768539 (VCV003768539.1).
Genomic context (GRCh38, chr3:4,683,527, plus strand): 5'-CTACCCACCCCTGGTGTCAGGGGCCCTGCAGCTCCTCTTCCGGCACTTCAGCCAGAGGCA[G>C]GAGGTGCTCCAGGCCTTCAAACAGGTAGCTCAGGTCACCCACGTGTGTGTTGTCTGTCCA-3'
Protein context (NP_001365381.1, residues 1091-1111): QLLFRHFSQR[Gln1101His]EVLQAFKQVQ